The following is an entry in ClinVar:

ClinVar aggregate classification (germline): Uncertain significance (1 of 4 stars; one submission).

Conditions:
Dilated cardiomyopathy 1AA (CMD1AA). Also called: CARDIOMYOPATHY, DILATED, 1AA, WITH OR WITHOUT LEFT VENTRICULAR NONCOMPACTION; CARDIOMYOPATHY, FAMILIAL HYPERTROPHIC, 23, WITH OR WITHOUT LEFT VENTRICULAR NONCOMPACTION; Cardiomyopathy, dilated, 1AA, with or without LVNC. Identifiers: Orphanet 154, MedGen C2677338, MONDO:0012808, OMIM 612158.
Primary familial hypertrophic cardiomyopathy (HCM). Identifiers: Orphanet 99739, MedGen C0949658, MeSH D024741, MONDO:0024573. Inheritance: Various modes of inheritance.

Submission:

Labcorp Genetics (formerly Invitae), Labcorp
Classification: Uncertain significance for Primary familial hypertrophic cardiomyopathy; Dilated cardiomyopathy 1AA. Last evaluated: 2021-12-15. Review status: criteria provided, single submitter. Criteria: Invitae Variant Classification Sherloc (09022015). Collection method: clinical testing. Allele origin: germline.
Comment: This variant has not been reported in the literature in individuals affected with ACTN2-related conditions. In summary, the available evidence is currently insufficient to determine the role of this variant in disease. Therefore, it has been classified as a Variant of Uncertain Significance. Advanced modeling of protein sequence and biophysical properties (such as structural, functional, and spatial information, amino acid conservation, physicochemical variation, residue mobility, and thermodynamic stability) performed at Invitae indicates that this missense variant is not expected to disrupt ACTN2 protein function. This variant is not present in population databases (gnomAD no frequency). This sequence change replaces proline, which is neutral and non-polar, with serine, which is neutral and polar, at codon 867 of the ACTN2 protein (p.Pro867Ser).

NM_001103.4(ACTN2):c.2599C>T (p.Pro867Ser)

Gene: ACTN2 (actinin alpha 2; plus strand). Cytogenetic location: 1q43.
Variant type: single nucleotide variant.
Coding change: c.2599C>T on transcript NM_001103.4 (MANE Select); coding-DNA position 2599, C replaced by T.
Protein change: p.Pro867Ser; replaces proline 867 with serine.
Molecular consequence: missense variant.
Genome position (GRCh38, 1-based): chr1:236,762,533, C>T. VCF-style: chr1-236762533-C-T. GRCh37 (hg19) VCF-style: chr1-236925833-C-T.
Other names: c.2599C>T, p.Pro867Ser (NM_001278343.2); c.1975C>T, p.Pro659Ser (NM_001278344.2); short protein forms P659S, P867S.
Identifiers: ClinVar variation 1507921 (VCV001507921.6), dbSNP rs1659739403, ClinGen allele CA345392362.
Genomic context (GRCh38, chr1:236,762,533, plus strand): 5'-GCGGAGGAGCTGCGTCGGGAGCTGCCCCCGGATCAGGCCCAGTACTGCATCAAGAGGATG[C>T]CCGCCTACTCGGGCCCAGGCAGTGTGCCTGGTGCACTGGATTACGCTGCGTTCTCTTCCG-3'
Protein context (NP_001094.1, residues 857-877): DQAQYCIKRM[Pro867Ser]AYSGPGSVPG